The following is an entry in ClinVar:

ClinVar aggregate classification (germline): Uncertain significance (1 of 4 stars; one submission).

Conditions:
Hereditary cancer-predisposing syndrome. Also called: Neoplastic Syndromes, Hereditary; Tumor predisposition; Hereditary Cancer Syndrome; Hereditary neoplastic syndrome. Identifiers: Orphanet 140162, MedGen C0027672, MeSH D009386, MONDO:0015356.

Submission:

Ambry Genetics
Classification: Uncertain significance for Hereditary cancer-predisposing syndrome. Last evaluated: 2025-12-02. Review status: criteria provided, single submitter. Criteria: Ambry Variant Classification Scheme 2023. Collection method: clinical testing. Allele origin: germline.
Comment: The p.S1027R variant (also known as c.3079A>C), located in coding exon 10 of the BRCA2 gene, results from an A to C substitution at nucleotide position 3079. The serine at codon 1027 is replaced by arginine, an amino acid with dissimilar properties. This amino acid position is conserved. In addition, the in silico prediction for this alteration is inconclusive. Based on the available evidence, the clinical significance of this variant remains unclear.

NM_000059.4(BRCA2):c.3079A>C (p.Ser1027Arg)

Gene: BRCA2 (BRCA2 DNA repair associated; plus strand). Cytogenetic location: 13q13.1.
Variant type: single nucleotide variant.
Coding change: c.3079A>C on transcript NM_000059.4 (MANE Select); coding-DNA position 3079, A replaced by C.
Protein change: p.Ser1027Arg; replaces serine 1027 with arginine.
Molecular consequence: missense variant. On other transcripts: non-coding transcript variant (1), intron variant (2).
Genome position (GRCh38, 1-based): chr13:32,337,434, A>C. VCF-style: chr13-32337434-A-C. GRCh37 (hg19) VCF-style: chr13-32911571-A-C.
Other names: c.3079A>C, p.Ser1027Arg (NM_001406719.1, NM_001406720.1, NM_001432077.1); c.1909+4047A>C (NM_001406721.1); c.424+6404A>C (NM_001406722.1); short protein forms S1027R.
Identifiers: ClinVar variation 4629482 (VCV004629482.1).